The following is an entry in ClinVar:

ClinVar aggregate classification (germline): Uncertain significance (1 of 4 stars; one submission).

Conditions:
Trichorhinophalangeal dysplasia type I (TRPS1). Also called: TRICHORHINOPHALANGEAL SYNDROME, TYPE I; TRPS I. Identifiers: Orphanet 77258, MedGen C0432233, MONDO:0008596, OMIM 190350.
Trichorhinophalangeal syndrome, type III (TRPS3). Also called: SUGIO-KAJII SYNDROME. Identifiers: Orphanet 77258, MedGen C1860823, OMIM 190351, MONDO:0008597.

Submission:

Labcorp Genetics (formerly Invitae), Labcorp
Classification: Uncertain significance for Trichorhinophalangeal syndrome, type III; Trichorhinophalangeal dysplasia type I. Last evaluated: 2023-07-25. Review status: criteria provided, single submitter. Criteria: Invitae Variant Classification Sherloc (09022015). Collection method: clinical testing. Allele origin: germline.
Comment: This sequence change replaces serine, which is neutral and polar, with phenylalanine, which is neutral and non-polar, at codon 918 of the TRPS1 protein (p.Ser918Phe). This variant is not present in population databases (gnomAD no frequency). This variant has not been reported in the literature in individuals affected with TRPS1-related conditions. Advanced modeling of protein sequence and biophysical properties (such as structural, functional, and spatial information, amino acid conservation, physicochemical variation, residue mobility, and thermodynamic stability) performed at Invitae indicates that this missense variant is expected to disrupt TRPS1 protein function. In summary, the available evidence is currently insufficient to determine the role of this variant in disease. Therefore, it has been classified as a Variant of Uncertain Significance.

NM_014112.5(TRPS1):c.2753C>T (p.Ser918Phe)

Gene: TRPS1 (transcriptional repressor GATA binding 1; minus strand). Cytogenetic location: 8q23.3.
Variant type: single nucleotide variant.
Coding change: c.2753C>T on transcript NM_014112.5 (MANE Select); coding-DNA position 2753, C replaced by T.
Protein change: p.Ser918Phe; replaces serine 918 with phenylalanine.
Molecular consequence: missense variant.
Genome position (GRCh38, 1-based): chr8:115,418,400, G>A on the plus strand (C>T on the coding strand, the complement: TRPS1 is on the minus strand). VCF-style: chr8-115418400-G-A. GRCh37 (hg19) VCF-style: chr8-116430628-G-A.
Other names: c.2726C>T, p.Ser909Phe (NM_001282902.3); c.2732C>T, p.Ser911Phe (NM_001282903.3); c.2714C>T, p.Ser905Phe (NM_001330599.2); short protein forms S911F, S905F, S909F, S918F.
Identifiers: ClinVar variation 2941824 (VCV002941824.3), dbSNP rs2536588510, ClinGen allele CA372064321.
Genomic context (GRCh38, chr8:115,418,400, plus strand): 5'-TTCTGGTAGAGGCCACACGCGTTGCATACATATCCGCCATTTGCATTCTTTCGCCAGAGA[G>A]AGGTCTTTGTGGTCAGGCAATTGGCACAAAAAACACCGGAGCCTCTACGCCTCTGAAACA-3'
Protein context (NP_054831.2, residues 908-928): FCANCLTTKT[Ser918Phe]LWRKNANGGY